The following is an entry in ClinVar:

ClinVar aggregate classification (germline): Likely benign. Review status: criteria provided, multiple submitters, no conflicts (2 of 4 stars). 2 submissions from 2 submitters: Likely benign (2). Last evaluated 2024-10-21.

Conditions:
Hereditary leiomyomatosis and renal cell cancer. Also called: Multiple cutaneous leiomyomas; MULTIPLE CUTANEOUS AND UTERINE LEIOMYOMATA 1, WITH OR WITHOUT RENAL CELL CARCINOMA; LEIOMYOMA, MULTIPLE CUTANEOUS; Familial leiomyomatosis; FH tumor predisposition syndrome; Reed syndrome. Identifiers: Orphanet 523, MedGen C1708350, MONDO:0007888, OMIM 150800, HP:0007437. Disease mechanism: loss of function.

Submissions (2):

Myriad Genetics, Inc.
Classification: Likely benign for Hereditary leiomyomatosis and renal cell cancer. Last evaluated: 2024-10-21. Review status: criteria provided, single submitter. Criteria: Myriad Autosomal Dominant, Autosomal Recessive and X-Linked Classification Criteria (2023). Collection method: clinical testing. Allele origin: unknown.
Comment: This variant is considered likely benign. This variant is intronic and is not expected to impact mRNA splicing.

Labcorp Genetics (formerly Invitae), Labcorp
Classification: Likely benign. Last evaluated: 2022-09-28. Review status: criteria provided, single submitter. Criteria: Invitae Variant Classification Sherloc (09022015). Collection method: clinical testing. Allele origin: germline.

NM_000143.4(FH):c.1108+8C>A

Gene: FH (fumarate hydratase; minus strand). Cytogenetic location: 1q43.
Variant type: single nucleotide variant.
Coding change: c.1108+8C>A on transcript NM_000143.4 (MANE Select); 8 bases into the intron after coding-DNA position 1108, C replaced by A.
Molecular consequence: intron variant.
Genome position (GRCh38, 1-based): chr1:241,504,034, G>T on the plus strand (C>A on the coding strand, the complement: FH is on the minus strand). VCF-style: chr1-241504034-G-T. GRCh37 (hg19) VCF-style: chr1-241667334-G-T.
Identifiers: ClinVar variation 2033040 (VCV002033040.5), dbSNP rs2527319035, ClinGen allele CA2574453643.